The following is an entry in ClinVar:

ClinVar aggregate classification (germline): Conflicting classifications of pathogenicity. Review status: criteria provided, conflicting classifications (1 of 4 stars). 3 submissions from 3 submitters: Uncertain significance (2); Benign (1). Last evaluated 2026-10-07.

Conditions:
Adams-Oliver syndrome 5 (AOS5). Identifiers: Orphanet 974, MedGen C4014970, MONDO:0014459, OMIM 616028.
Familial thoracic aortic aneurysm and aortic dissection (TAAD). Also called: Thoracic aortic aneurysms and dissections. Identifiers: Orphanet 91387, MedGen C4707243, MONDO:0019625.

Allele frequency attached by ClinVar (database versions not stated): gnomAD 0.00003; gnomAD exomes 0.00003; ExAC 0.00004; ESP Exome Variant Server 0.00016; TOPMed 0.00005.

Submissions (3):

GeneDx
Classification: Uncertain significance. Last evaluated: 2026-10-07. Review status: criteria provided, single submitter. Criteria: GeneDx Variant Classification Process June 2021. Collection method: clinical testing. Allele origin: germline.
Comment: In silico analysis supports that this missense variant has a deleterious effect on protein structure/function; Has not been previously published as pathogenic or benign to our knowledge

Labcorp Genetics (formerly Invitae), Labcorp
Classification: Benign for Adams-Oliver syndrome 5. Last evaluated: 2026-01-24. Review status: criteria provided, single submitter. Criteria: Invitae Variant Classification Sherloc (09022015). Collection method: clinical testing. Allele origin: germline.

Ambry Genetics
Classification: Uncertain significance for Familial thoracic aortic aneurysm and aortic dissection. Last evaluated: 2024-11-28. Review status: criteria provided, single submitter. Criteria: Ambry Variant Classification Scheme 2023. Collection method: clinical testing. Allele origin: germline.

NM_017617.5(NOTCH1):c.5573T>C (p.Met1858Thr)

Gene: NOTCH1 (notch receptor 1; minus strand). Cytogenetic location: 9q34.3.
Variant type: single nucleotide variant.
Coding change: c.5573T>C on transcript NM_017617.5 (MANE Select); coding-DNA position 5573, T replaced by C.
Protein change: p.Met1858Thr; replaces methionine 1858 with threonine.
Molecular consequence: missense variant.
Genome position (GRCh38, 1-based): chr9:136,501,813, A>G on the plus strand (T>C on the coding strand, the complement: NOTCH1 is on the minus strand). VCF-style: chr9-136501813-A-G. GRCh37 (hg19) VCF-style: chr9-139396265-A-G.
Other names: c.5573T>C (NM_017617.3); short protein forms M1858T.
Identifiers: ClinVar variation 1036234 (VCV001036234.13), dbSNP rs375102032, ClinGen allele CA5340206.